The following is an entry in ClinVar:

ClinVar aggregate classification (germline): Uncertain significance (1 of 4 stars; one submission).

gnomAD v4.1: 1 of 1,611,650 alleles (0.000062%); highest among the groups gnomAD compares: Non-Finnish European, 0.000085%; no homozygotes.

Submission:

Labcorp Genetics (formerly Invitae), Labcorp
Classification: Uncertain significance. Last evaluated: 2024-12-28. Review status: criteria provided, single submitter. Criteria: Invitae Variant Classification Sherloc (09022015). Collection method: clinical testing. Allele origin: germline.
Comment: This sequence change replaces serine, which is neutral and polar, with isoleucine, which is neutral and non-polar, at codon 43 of the PACS2 protein (p.Ser43Ile). This variant is not present in population databases (gnomAD no frequency). This variant has not been reported in the literature in individuals affected with PACS2-related conditions. ClinVar contains an entry for this variant (Variation ID: 2015399). An algorithm developed to predict the effect of missense changes on protein structure and function (PolyPhen-2) suggests that this variant is likely to be disruptive. In summary, the available evidence is currently insufficient to determine the role of this variant in disease. Therefore, it has been classified as a Variant of Uncertain Significance.

NM_001100913.3(PACS2):c.128G>T (p.Ser43Ile)

Gene: PACS2 (phosphofurin acidic cluster sorting protein 2; plus strand). Cytogenetic location: 14q32.33.
Variant type: single nucleotide variant.
Coding change: c.128G>T on transcript NM_001100913.3 (MANE Select); coding-DNA position 128, G replaced by T.
Protein change: p.Ser43Ile; replaces serine 43 with isoleucine.
Molecular consequence: missense variant. On other transcripts: 5 prime UTR variant (1).
Genome position (GRCh38, 1-based): chr14:105,348,501, G>T. VCF-style: chr14-105348501-G-T. GRCh37 (hg19) VCF-style: chr14-105814838-G-T.
Other names: c.-74G>T (NM_001243127.3); c.128G>T, p.Ser43Ile (NM_015197.4); short protein forms S43I.
Identifiers: ClinVar variation 2015399 (VCV002015399.4), dbSNP rs781847893, ClinGen allele CA391198412.